The following is an entry in ClinVar:

NM_025137.4(SPG11):c.5270A>G (p.His1757Arg)

Genes: SPG11 (SPG11 vesicle trafficking associated, spatacsin; minus strand), LOC130056971 (ATAC-STARR-seq lymphoblastoid silent region 6398; plus strand). Cytogenetic location: 15q21.1.
Variant type: single nucleotide variant.
Coding change: c.5270A>G on transcript NM_025137.4 (MANE Select); coding-DNA position 5270, A replaced by G.
Protein change: p.His1757Arg; replaces histidine 1757 with arginine.
Molecular consequence: missense variant.
Genome position (GRCh38, 1-based): chr15:44,584,410, T>C on the plus strand (A>G on the coding strand, the complement: SPG11 is on the minus strand). VCF-style: chr15-44584410-T-C. GRCh37 (hg19) VCF-style: chr15-44876608-T-C.
Other names: c.5270A>G, p.His1757Arg (NM_001160227.2); short protein forms H1757R.
Identifiers: ClinVar variation 566662 (VCV000566662.55), dbSNP rs139423939, ClinGen allele CA7534436.

ClinVar aggregate classification (germline): Conflicting classifications of pathogenicity. Review status: criteria provided, conflicting classifications (1 of 4 stars). 8 submissions from 6 submitters: Uncertain significance (7); Likely benign (1). Last evaluated 2026-01-05.

Conditions:
Inborn genetic diseases. Identifiers: MedGen C0950123, MeSH D030342.
Charcot-Marie-Tooth disease axonal type 2X. Also called: CHARCOT-MARIE-TOOTH DISEASE, AXONAL, AUTOSOMAL RECESSIVE, TYPE 2X; CHARCOT-MARIE-TOOTH NEUROPATHY, TYPE 2X. Identifiers: Orphanet 466775, MedGen C5569024, MONDO:0014726, OMIM 616668.
Hereditary spastic paraplegia 11. Also called: SPASTIC PARAPLEGIA, AUTOSOMAL RECESSIVE, COMPLICATED, WITH THIN CORPUS CALLOSUM; SPASTIC PARAPLEGIA, AUTOSOMAL RECESSIVE, WITH MENTAL IMPAIRMENT AND THIN CORPUS CALLOSUM; Spastic Paraplegia 11; Nakamura Osame syndrome; Autosomal recessive hereditary spastic paraplegia, mental impairment, and thin corpus callosum; Spastic paraplegia, mental retardation and thin corpus callosum. Identifiers: Orphanet 2822, MedGen C1858479, MONDO:0011445, OMIM 604360.
Amyotrophic lateral sclerosis type 5 (ALS5). Also called: AMYOTROPHIC LATERAL SCLEROSIS 5, JUVENILE. Identifiers: Orphanet 300605, MedGen C1865864, MONDO:0011196, OMIM 602099.

Allele frequency attached by ClinVar (database versions not stated): gnomAD 0.00006 and 0.00007; ESP Exome Variant Server 0.00008; TOPMed 0.00012; gnomAD exomes 0.00014 and 0.00020; ExAC 0.00028.
gnomAD v4.1: 211 of 1,614,062 alleles (0.013%); highest among the groups gnomAD compares: Admixed American, 0.063%; no homozygotes.

Submissions (8):

Labcorp Genetics (formerly Invitae), Labcorp
Classification: Likely benign for Hereditary spastic paraplegia 11. Last evaluated: 2026-01-05. Review status: criteria provided, single submitter. Criteria: Invitae Variant Classification Sherloc (09022015). Collection method: clinical testing. Allele origin: germline.

Women's Health and Genetics/Laboratory Corporation of America, LabCorp
Classification: Uncertain significance. Last evaluated: 2025-10-09. Review status: criteria provided, single submitter. Criteria: LabCorp Variant Classification Summary - May 2015. Collection method: clinical testing. Allele origin: germline.
Comment: Variant summary: SPG11 c.5270A>G (p.His1757Arg) results in a non-conservative amino acid change in the encoded protein sequence. Algorithms developed to predict the effect of missense changes on protein structure and function are either unavailable or do not agree on the potential impact of this missense change. The variant allele was found at a frequency of 0.0002 in 251216 control chromosomes. This frequency is not significantly higher than estimated for disease-causing variants in SPG11, allowing no conclusion about variant significance. c.5270A>G has been observed in individual(s) affected with Hereditary spastic paraplegia 11. These report(s) do not provide unequivocal conclusions about association of the variant with Hereditary spastic paraplegia 11. To our knowledge, no experimental evidence demonstrating an impact on protein function has been reported. ClinVar contains an entry for this variant (Variation ID: 566662). Based on the evidence outlined above, the variant was classified as uncertain significance.

Ambry Genetics
Classification: Uncertain significance for Inborn genetic diseases. Last evaluated: 2024-07-31. Review status: criteria provided, single submitter. Criteria: Ambry Variant Classification Scheme 2023. Collection method: clinical testing. Allele origin: germline.

GeneDx
Classification: Uncertain significance. Last evaluated: 2024-02-07. Review status: criteria provided, single submitter. Criteria: GeneDx Variant Classification Process June 2021. Collection method: clinical testing. Allele origin: germline. Affected: yes.
Comment: In silico analysis supports that this missense variant does not alter protein structure/function; Has not been previously published as pathogenic or benign to our knowledge

CeGaT Center for Human Genetics Tuebingen
Classification: Uncertain significance. Last evaluated: 2018-10-01. Review status: criteria provided, single submitter. Criteria: CeGaT Center For Human Genetics Tuebingen Variant Classification Criteria Version 2. Collection method: clinical testing. Allele origin: germline. Affected: yes. Observed: 1 variant allele.

Genome-Nilou Lab
Classification: Uncertain significance for Amyotrophic lateral sclerosis type 5. Review status: criteria provided, single submitter. Criteria: ACMG Guidelines, 2015. Collection method: clinical testing. Allele origin: germline.

Genome-Nilou Lab
Classification: Uncertain significance for Charcot-Marie-Tooth disease axonal type 2X. Review status: criteria provided, single submitter. Criteria: ACMG Guidelines, 2015. Collection method: clinical testing. Allele origin: germline.

Genome-Nilou Lab
Classification: Uncertain significance for Hereditary spastic paraplegia 11. Review status: criteria provided, single submitter. Criteria: ACMG Guidelines, 2015. Collection method: clinical testing. Allele origin: germline.

Literature cited by the submitters: PubMed 32987860 (cited by Women's Health and Genetics/Laboratory Corporation of America, LabCorp).